The following is an entry in ClinVar:

ClinVar aggregate classification (germline): Uncertain significance (1 of 4 stars; one submission).

Conditions:
Hepatic veno-occlusive disease-immunodeficiency syndrome. Also called: Hepatic Veno-Occlusive Disease with Immunodeficiency. Identifiers: Orphanet 79124, MedGen C1856128, MONDO:0009338, OMIM 235550. Disease mechanism: loss of function.

Allele frequency attached by ClinVar (database versions not stated): TOPMed 0.00002; ESP Exome Variant Server 0.00015.
gnomAD v4.1: 1 of 1,428,848 alleles (0.00007%); highest among the groups gnomAD compares: Non-Finnish European, 0.000099%; no homozygotes.

Submission:

Labcorp Genetics (formerly Invitae), Labcorp
Classification: Uncertain significance for Hepatic veno-occlusive disease-immunodeficiency syndrome. Last evaluated: 2021-08-26. Review status: criteria provided, single submitter. Criteria: Invitae Variant Classification Sherloc (09022015). Collection method: clinical testing. Allele origin: germline.
Comment: This sequence change falls in intron 11 of the SP110 gene. It does not directly change the encoded amino acid sequence of the SP110 protein. This variant is present in population databases (rs201596009, ExAC 0.002%). This variant has not been reported in the literature in individuals affected with SP110-related conditions. Algorithms developed to predict the effect of sequence changes on RNA splicing suggest that this variant may create or strengthen a splice site. In summary, the available evidence is currently insufficient to determine the role of this variant in disease. Therefore, it has been classified as a Variant of Uncertain Significance.

NM_080424.4(SP110):c.1280-10C>G

Gene: SP110 (SP110 nuclear body protein; minus strand). Cytogenetic location: 2q37.1.
Variant type: single nucleotide variant.
Coding change: c.1280-10C>G on transcript NM_080424.4 (MANE Select); 10 bases into the intron before coding-DNA position 1280, C replaced by G.
Molecular consequence: intron variant.
Genome position (GRCh38, 1-based): chr2:230,183,650, G>C on the plus strand (C>G on the coding strand, the complement: SP110 is on the minus strand). VCF-style: chr2-230183650-G-C. GRCh37 (hg19) VCF-style: chr2-231048366-G-C.
Other names: c.1298-10C>G (NM_001378446.1, NM_001378445.1, NM_001378442.1 and 2 more transcripts); c.1280-10C>G (NM_004509.5, NM_001378443.1, NM_004510.4); c.1130-10C>G (NM_001378447.1).
Identifiers: ClinVar variation 862530 (VCV000862530.7), dbSNP rs201596009, ClinGen allele CA2154558.